The following is an entry in ClinVar:

NM_003590.5(CUL3):c.1097_1103delinsC (p.Phe366_Gln368delinsSer)

Gene: CUL3 (cullin 3; minus strand). Cytogenetic location: 2q36.2.
Variant type: Indel.
Coding change: c.1097_1103delinsC on transcript NM_003590.5 (MANE Select); coding-DNA positions 1097 to 1103, TTAAACA replaced by C.
Protein change: p.Phe366_Gln368delinsSer.
Molecular consequence: inframe indel.
Genome position (GRCh38, 1-based): chr2:224,506,059-224,506,065, TGTTTAA replaced by G on the plus strand (TTAAACA replaced by C on the coding strand, the reverse complement: CUL3 is on the minus strand). VCF-style: chr2-224506059-TGTTTAA-G. GRCh37 (hg19) VCF-style: chr2-225370776-TGTTTAA-G.
Other names: c.899_905delinsC, p.Phe300_Gln302delinsSer (NM_001257197.2); c.1115_1121delinsC, p.Phe372_Gln374delinsSer (NM_001257198.2).
Identifiers: ClinVar variation 4975073 (VCV004975073.1).

ClinVar aggregate classification (germline): Uncertain significance (1 of 4 stars; one submission).

Submission:

GeneDx
Classification: Uncertain significance. Last evaluated: 2026-03-06. Review status: criteria provided, single submitter. Criteria: GeneDx Variant Classification Process June 2021. Collection method: clinical testing. Allele origin: germline.
Comment: In-frame deletion of 3 amino acids and insertion of 1 different amino acid in a non-repeat region; Not observed at significant frequency in large population cohorts (gnomAD); In silico analysis supports a deleterious effect on protein structure/function; Has not been previously published as pathogenic or benign to our knowledge